The following is an entry in ClinVar:

ClinVar aggregate classification (germline): Conflicting classifications of pathogenicity. Review status: criteria provided, conflicting classifications (1 of 4 stars). 5 submissions from 5 submitters: Uncertain significance (4); Likely benign (1). Last evaluated 2026-03-19.

Conditions:
Hereditary cancer-predisposing syndrome. Also called: Tumor predisposition; Hereditary Cancer Syndrome; Hereditary neoplastic syndrome; Neoplastic Syndromes, Hereditary. Identifiers: Orphanet 140162, MedGen C0027672, MeSH D009386, MONDO:0015356.
BRCA2-related disorder. Also called: BRCA2-related condition; BRCA2-related disorders. Identifiers: MedGen CN239275.
Hereditary breast ovarian cancer syndrome. Also called: Hereditary breast and ovarian cancer syndrome (HBOC); Breast and ovarian cancer; Hereditary breast and ovarian cancer; Hereditary breast and ovarian cancer syndrome; BRCA1- and BRCA2-Associated Hereditary Breast and Ovarian Cancer; Hereditary breast and/or ovarian cancer syndrome. Identifiers: Orphanet 145, MedGen C0677776, MeSH D061325, MONDO:0003582. Disease mechanism: loss of function.

Allele frequency attached by ClinVar (database versions not stated): gnomAD exomes below 0.00001.
gnomAD v4.1: 4 of 1,614,170 alleles (0.00025%); highest among the groups gnomAD compares: Non-Finnish European, 0.00017%; no homozygotes.

Submissions (5):

Women's Health and Genetics/Laboratory Corporation of America, LabCorp
Classification: Uncertain significance. Last evaluated: 2026-03-19. Review status: criteria provided, single submitter. Criteria: LabCorp Variant Classification Summary - May 2015. Collection method: clinical testing. Allele origin: germline.
Comment: Variant summary: BRCA2 c.7600G>A (p.Ala2534Thr) results in a non-conservative amino acid change in the encoded protein sequence. Algorithms developed to predict the effect of missense changes on protein structure and function are either unavailable or do not agree on the potential impact of this missense change. The variant was absent in 250798 control chromosomes. The available data on variant occurrences in the general population are insufficient to allow any conclusion about variant significance. To our knowledge, no occurrence of c.7600G>A in individuals affected with BRCA2-related conditions and no experimental evidence demonstrating its impact on protein function have been reported. ClinVar contains an entry for this variant (Variation ID: 441470). Based on the evidence outlined above, the variant was classified as uncertain significance.

Labcorp Genetics (formerly Invitae), Labcorp
Classification: Uncertain significance for Hereditary breast ovarian cancer syndrome. Last evaluated: 2025-08-13. Review status: criteria provided, single submitter. Criteria: Invitae Variant Classification Sherloc (09022015). Collection method: clinical testing. Allele origin: germline.
Comment: This sequence change replaces alanine, which is neutral and non-polar, with threonine, which is neutral and polar, at codon 2534 of the BRCA2 protein (p.Ala2534Thr). This variant is not present in population databases (gnomAD no frequency). This variant has not been reported in the literature in individuals affected with BRCA2-related conditions. ClinVar contains an entry for this variant (Variation ID: 441470). Invitae Evidence Modeling of protein sequence and biophysical properties (such as structural, functional, and spatial information, amino acid conservation, physicochemical variation, residue mobility, and thermodynamic stability) indicates that this missense variant is not expected to disrupt BRCA2 protein function with a negative predictive value of 95%. In summary, the available evidence is currently insufficient to determine the role of this variant in disease. Therefore, it has been classified as a Variant of Uncertain Significance.

Ambry Genetics
Classification: Likely benign for Hereditary cancer-predisposing syndrome. Last evaluated: 2025-05-15. Review status: criteria provided, single submitter. Criteria: Ambry Variant Classification Scheme 2023. Collection method: clinical testing. Allele origin: germline.

PreventionGenetics, part of Exact Sciences
Classification: Uncertain significance for BRCA2-related condition. Last evaluated: 2023-02-20. Review status: criteria provided, single submitter. Criteria: ACMG Guidelines, 2015. Collection method: clinical testing. Allele origin: germline.
Comment: The BRCA2 c.7600G>A variant is predicted to result in the amino acid substitution p.Ala2534Thr. To our knowledge, this variant has not been reported in the literature or in a large population database, indicating this variant is rare. It is interpreted as uncertain significance in ClinVar. At this time, the clinical significance of this variant is uncertain due to the absence of conclusive functional and genetic evidence.

Quest Diagnostics Nichols Institute San Juan Capistrano
Classification: Uncertain significance. Last evaluated: 2022-10-17. Review status: criteria provided, single submitter. Criteria: Quest Diagnostics criteria. Collection method: clinical testing. Allele origin: unknown.
Comment: It has not been reported in large, multi-ethnic general populations. In the published literature, the variant has been reported in a study control and not in breast cancer cases in a large-scale breast cancer association study (PMID: 33471991 (2021)). Analysis of this variant using bioinformatics tools for the prediction of the effect of amino acid changes on protein structure and function yielded predictions that this variant is benign. Based on the available information, we are unable to determine the clinical significance of this variant.

NM_000059.4(BRCA2):c.7600G>A (p.Ala2534Thr)

Gene: BRCA2 (BRCA2 DNA repair associated; plus strand). Cytogenetic location: 13q13.1.
Variant type: single nucleotide variant.
Coding change: c.7600G>A on transcript NM_000059.4 (MANE Select); coding-DNA position 7600, G replaced by A.
Protein change: p.Ala2534Thr; replaces alanine 2534 with threonine.
Molecular consequence: missense variant.
Genome position (GRCh38, 1-based): chr13:32,356,592, G>A. VCF-style: chr13-32356592-G-A. GRCh37 (hg19) VCF-style: chr13-32930729-G-A.
Other names: short protein forms A2534T.
Identifiers: ClinVar variation 441470 (VCV000441470.21), dbSNP rs1555286305, ClinGen allele CA387743948.